The following is an entry in ClinVar:

NM_002693.3(POLG):c.3509T>C (p.Leu1170Pro)

Gene: POLG (DNA polymerase gamma, catalytic subunit; minus strand). Cytogenetic location: 15q26.1.
Variant type: single nucleotide variant.
Coding change: c.3509T>C on transcript NM_002693.3 (MANE Select); coding-DNA position 3509, T replaced by C.
Protein change: p.Leu1170Pro; replaces leucine 1170 with proline.
Molecular consequence: missense variant.
Genome position (GRCh38, 1-based): chr15:89,317,510, A>G on the plus strand (T>C on the coding strand, the complement: POLG is on the minus strand). VCF-style: chr15-89317510-A-G. GRCh37 (hg19) VCF-style: chr15-89860741-A-G.
Other names: c.3509T>C, p.Leu1170Pro (NM_001126131.2); short protein forms L1170P.
Identifiers: ClinVar variation 1722125 (VCV001722125.6), dbSNP rs796052913, ClinGen allele CA393748024.

ClinVar aggregate classification (germline): Uncertain significance (1 of 4 stars; one submission).

Conditions:
Progressive sclerosing poliodystrophy (MTDPS4A). Also called: NEURONAL DEGENERATION OF CHILDHOOD WITH LIVER DISEASE, PROGRESSIVE; Alpers Syndrome; ALPERS DIFFUSE DEGENERATION OF CEREBRAL GRAY MATTER WITH HEPATIC CIRRHOSIS; Alpers-Huttenlocher Syndrome; Mitochondrial DNA Depletion Syndrome 4A; Alpers-Huttenlocher Syndrome (AHS). Identifiers: Orphanet 726, MedGen C0205710, MONDO:0008758, OMIM 203700.

Submission:

Labcorp Genetics (formerly Invitae), Labcorp
Classification: Uncertain significance for Progressive sclerosing poliodystrophy. Last evaluated: 2022-10-25. Review status: criteria provided, single submitter. Criteria: Invitae Variant Classification Sherloc (09022015). Collection method: clinical testing. Allele origin: germline.
Comment: This sequence change replaces leucine, which is neutral and non-polar, with proline, which is neutral and non-polar, at codon 1170 of the POLG protein (p.Leu1170Pro). This variant is not present in population databases (gnomAD no frequency). This variant has not been reported in the literature in individuals affected with POLG-related conditions. Advanced modeling of protein sequence and biophysical properties (such as structural, functional, and spatial information, amino acid conservation, physicochemical variation, residue mobility, and thermodynamic stability) performed at Invitae indicates that this missense variant is expected to disrupt POLG protein function. In summary, the available evidence is currently insufficient to determine the role of this variant in disease. Therefore, it has been classified as a Variant of Uncertain Significance.